The following is an entry in ClinVar:

ClinVar aggregate classification (germline): Uncertain significance. Review status: criteria provided, multiple submitters, no conflicts (2 of 4 stars). 2 submissions from 2 submitters: Uncertain significance (2). Last evaluated 2025-10-08.

Conditions:
Methylmalonic acidemia due to transcobalamin receptor defect (MATR). Also called: METHYLMALONIC ACIDURIA, TRANSIENT, DUE TO TRANSCOBALAMIN RECEPTOR DEFECT; METHYLMALONIC ACIDEMIA, TCblR TYPE. Identifiers: Orphanet 280183, MedGen C4749905, MONDO:0013341, OMIM 613646.

Allele frequency attached by ClinVar (database versions not stated): gnomAD exomes 0.00010; ESP Exome Variant Server 0.00016; gnomAD 0.00016 and 0.00017; TOPMed 0.00017; ExAC 0.00026.
gnomAD v4.1: 278 of 1,584,002 alleles (0.018%); highest among the groups gnomAD compares: Middle Eastern, 0.05%; no homozygotes.

Submissions (2):

Labcorp Genetics (formerly Invitae), Labcorp
Classification: Uncertain significance for Methylmalonic acidemia due to transcobalamin receptor defect. Last evaluated: 2025-10-08. Review status: criteria provided, single submitter. Criteria: Invitae Variant Classification Sherloc (09022015). Collection method: clinical testing. Allele origin: germline.
Comment: This sequence change replaces threonine, which is neutral and polar, with isoleucine, which is neutral and non-polar, at codon 14 of the CD320 protein (p.Thr14Ile). This variant is present in population databases (rs374551944, gnomAD 0.02%). This variant has not been reported in the literature in individuals affected with CD320-related conditions. ClinVar contains an entry for this variant (Variation ID: 659573). An algorithm developed to predict the effect of missense changes on protein structure and function (PolyPhen-2) suggests that this variant is likely to be disruptive. In summary, the available evidence is currently insufficient to determine the role of this variant in disease. Therefore, it has been classified as a Variant of Uncertain Significance.

Ambry Genetics
Classification: Uncertain significance. Last evaluated: 2024-12-28. Review status: criteria provided, single submitter. Criteria: Ambry Variant Classification Scheme 2023. Collection method: clinical testing. Allele origin: germline.

NM_016579.4(CD320):c.41C>T (p.Thr14Ile)

Gene: CD320 (CD320 molecule; minus strand). Cytogenetic location: 19p13.2.
Variant type: single nucleotide variant.
Coding change: c.41C>T on transcript NM_016579.4 (MANE Select); coding-DNA position 41, C replaced by T.
Protein change: p.Thr14Ile; replaces threonine 14 with isoleucine.
Molecular consequence: missense variant.
Genome position (GRCh38, 1-based): chr19:8,308,250, G>A on the plus strand (C>T on the coding strand, the complement: CD320 is on the minus strand). VCF-style: chr19-8308250-G-A. GRCh37 (hg19) VCF-style: chr19-8373134-G-A.
Other names: c.41C>T, p.Thr14Ile (NM_001165895.2); short protein forms T14I.
Identifiers: ClinVar variation 659573 (VCV000659573.12), dbSNP rs374551944, ClinGen allele CA9154866.